The following is an entry in ClinVar:

NC_000023.11:g.31314406_31679596dup

Gene: DMD (dystrophin; minus strand).
Variant type: Duplication.
Identifiers: ClinVar variation 948414 (VCV000948414.1).

ClinVar aggregate classification (germline): Likely pathogenic (1 of 4 stars; one submission).

Conditions:
Duchenne muscular dystrophy (DMD). Also called: MUSCULAR DYSTROPHY, PSEUDOHYPERTROPHIC PROGRESSIVE, DUCHENNE TYPE; Duchenne Muscular Dystrophy (DMD). Identifiers: Orphanet 98896, MedGen C0013264, MONDO:0010679, OMIM 310200.

Submission:

Labcorp Genetics (formerly Invitae), Labcorp
Classification: Likely pathogenic for Duchenne muscular dystrophy. Last evaluated: 2019-08-06. Review status: criteria provided, single submitter. Criteria: Invitae Variant Classification Sherloc (09022015). Collection method: clinical testing. Allele origin: germline.
Comment: This variant results in a copy number gain of the genomic region encompassing exons 53-62 of the DMD gene. While the exact position of this variant cannot be determined from this data, sub-genic copy number gains are generally in tandem (PMID: 25640679) and may result in an absent or disrupted protein product. Loss-of-function variants in DMD are known to be pathogenic (PMID: 16770791, 25007885). In summary, the currently available evidence indicates that the variant is pathogenic, but additional data are needed to prove that conclusively. Therefore, this variant has been classified as Likely Pathogenic.